The following is an entry in ClinVar:

NM_002907.4(RECQL):c.1814C>T (p.Thr605Ile)

Genes: PYROXD1 (pyridine nucleotide-disulphide oxidoreductase domain 1; plus strand), RECQL (RecQ like helicase; minus strand). Cytogenetic location: 12p12.1.
Variant type: single nucleotide variant.
Coding change: c.1814C>T on transcript NM_002907.4 (MANE Select); coding-DNA position 1814, C replaced by T.
Protein change: p.Thr605Ile; replaces threonine 605 with isoleucine.
Molecular consequence: missense variant. On other transcripts: 3 prime UTR variant (3).
Genome position (GRCh38, 1-based): chr12:21,470,330, G>A on the plus strand (C>T on the coding strand, the complement: RECQL is on the minus strand). VCF-style: chr12-21470330-G-A. GRCh37 (hg19) VCF-style: chr12-21623264-G-A.
Other names: c.1814C>T, p.Thr605Ile (NM_032941.3); c.*1576G>A (NM_001350912.2, NM_001350913.2, NM_024854.5); short protein forms T605I.
Identifiers: ClinVar variation 1780640 (VCV001780640.2), dbSNP rs1433345033, ClinGen allele CA384114038.

ClinVar aggregate classification (germline): Uncertain significance (1 of 4 stars; one submission).

Submission:

Ambry Genetics
Classification: Uncertain significance. Last evaluated: 2023-12-22. Review status: criteria provided, single submitter. Criteria: Ambry Variant Classification Scheme 2023. Collection method: clinical testing. Allele origin: germline.
Comment: The p.T605I variant (also known as c.1814C>T), located in coding exon 14 of the RECQL gene, results from a C to T substitution at nucleotide position 1814. The threonine at codon 605 is replaced by isoleucine, an amino acid with similar properties. This amino acid position is conserved. In addition, this alteration is predicted to be tolerated by in silico analysis. Since supporting evidence is limited at this time, the clinical significance of this alteration remains unclear.